The following is an entry in ClinVar:

ClinVar aggregate classification (germline): Pathogenic. Review status: criteria provided, single submitter (1 of 4 stars). 2 submissions from 2 submitters: Pathogenic (1). 1 of the submissions does not count toward it. Last evaluated 2014-04-16.

Conditions:
Intellectual developmental disorder, autosomal dominant 1. Also called: Intellectual disability, autosomal dominant 1; MBD5 Haploinsufficiency. Identifiers: Orphanet 228402, MedGen C1969562, MONDO:0007974, OMIM 156200.

Submissions (2):

GeneDx
Classification: Pathogenic. Last evaluated: 2014-04-16. Review status: criteria provided, single submitter. Criteria: GeneDx Variant Classification (06012015). Collection method: clinical testing. Allele origin: germline. Affected: yes.
Comment: c.890_891delTA: p.Ile297ThrfsX19 (I297Tfsx19) in exon 9 of the MBD5 gene (NM_018328.4). The normal sequence with the bases that are deleted in braces is: AATA{TA}CCTC. The c.890_891delTA mutation in the MBD5 gene causes a frameshift starting with codon Isoleucine 297, changes this amino acid to a Threonine residue and creates a premature Stop codon at position 19 of the new reading frame, denoted p.Ile297ThrfsX19. This mutation is predicted to cause loss of normal protein function either through protein truncation or nonsense-mediated mRNA decay. We interpret this variant to be disease-causing. The variant is found in EPILEPSY panel(s).

GeneReviews
No classification provided. Condition: Intellectual developmental disorder, autosomal dominant 1. Review status: no classification provided. Collection method: literature only. Allele origin: germline. Affected: yes. Not counted in ClinVar's aggregate classification.

Literature cited by the submitters: NCBI Bookshelf NBK390803 (cited by GeneReviews).

NM_001378120.1(MBD5):c.890_891del (p.Ile297fs)

Gene: MBD5 (methyl-CpG binding domain protein 5; plus strand). Cytogenetic location: 2q23.1.
Variant type: Microsatellite.
Coding change: c.890_891del on transcript NM_001378120.1 (MANE Select); coding-DNA positions 890 to 891, 2 bases deleted (TA; older notation c.890_891delTA).
Protein change: p.Ile297fs; shifts the reading frame from isoleucine 297.
Molecular consequence: frameshift variant.
Genome position (GRCh38, 1-based): chr2:148,468,833-148,468,834, TA deleted; deleting any 2 consecutive bases within chr2:148,468,830-148,468,834 gives the same sequence; the c. name uses the placement nearest the transcript's 3' end. VCF-style (leftmost placement, unchanged base first): chr2-148468829-AAT-A. GRCh37 (hg19) VCF-style: chr2-149226398-AAT-A.
Other names: c.890_891delTA (NM_018328.4); c.890_891del, p.Ile297fs (NM_018328.5); short protein forms I297fs.
Identifiers: ClinVar variation 206110 (VCV000206110.2), dbSNP rs796052719, ClinGen allele CA315876.